The following is an entry in ClinVar:

NM_004990.4(MARS1):c.484C>G (p.Leu162Val)

Gene: MARS1 (methionyl-tRNA synthetase 1; plus strand). Cytogenetic location: 12q13.3.
Variant type: single nucleotide variant.
Coding change: c.484C>G on transcript NM_004990.4 (MANE Select); coding-DNA position 484, C replaced by G.
Protein change: p.Leu162Val; replaces leucine 162 with valine.
Molecular consequence: missense variant.
Genome position (GRCh38, 1-based): chr12:57,489,965, C>G. VCF-style: chr12-57489965-C-G. GRCh37 (hg19) VCF-style: chr12-57883748-C-G.
Other names: short protein forms L162V.
Identifiers: ClinVar variation 4794835 (VCV004794835.1).

ClinVar aggregate classification (germline): Uncertain significance (1 of 4 stars; one submission).

Conditions:
Charcot-Marie-Tooth disease axonal type 2U. Also called: CHARCOT-MARIE-TOOTH NEUROPATHY, TYPE 2U; CHARCOT-MARIE-TOOTH DISEASE, AXONAL, AUTOSOMAL DOMINANT, TYPE 2U. Identifiers: Orphanet 397735, MedGen C4084821, MONDO:0014566, OMIM 616280.
Severe early-onset pulmonary alveolar proteinosis due to MARS deficiency. Also called: PULMONARY ALVEOLAR PROTEINOSIS, REUNION ISLAND; Interstitial lung and liver disease. Identifiers: Orphanet 440427, MedGen C4225400, MONDO:0014206, OMIM 615486.

Submission:

Labcorp Genetics (formerly Invitae), Labcorp
Classification: Uncertain significance for Charcot-Marie-Tooth disease axonal type 2U; Severe early-onset pulmonary alveolar proteinosis due to MARS deficiency. Last evaluated: 2025-03-09. Review status: criteria provided, single submitter. Criteria: Invitae Variant Classification Sherloc (09022015). Collection method: clinical testing. Allele origin: germline.
Comment: This sequence change replaces leucine, which is neutral and non-polar, with valine, which is neutral and non-polar, at codon 162 of the MARS protein (p.Leu162Val). This variant is not present in population databases (gnomAD no frequency). This variant has not been reported in the literature in individuals affected with MARS-related conditions. An algorithm developed to predict the effect of missense changes on protein structure and function (PolyPhen-2) suggests that this variant is likely to be tolerated. In summary, the available evidence is currently insufficient to determine the role of this variant in disease. Therefore, it has been classified as a Variant of Uncertain Significance.